The following is an entry in ClinVar:

NM_005535.3(IL12RB1):c.1558G>C (p.Val520Leu)

Gene: IL12RB1 (interleukin 12 receptor subunit beta 1; minus strand). Cytogenetic location: 19p13.11.
Variant type: single nucleotide variant.
Coding change: c.1558G>C on transcript NM_005535.3 (MANE Select); coding-DNA position 1558, G replaced by C.
Protein change: p.Val520Leu; replaces valine 520 with leucine.
Molecular consequence: missense variant.
Genome position (GRCh38, 1-based): chr19:18,063,936, C>G on the plus strand (G>C on the coding strand, the complement: IL12RB1 is on the minus strand). VCF-style: chr19-18063936-C-G. GRCh37 (hg19) VCF-style: chr19-18174746-C-G.
Other names: c.1558G>C, p.Val520Leu (NM_001290023.2); c.1678G>C, p.Val560Leu (NM_001290024.2); short protein forms V520L, V560L.
Identifiers: ClinVar variation 1000533 (VCV001000533.8), dbSNP rs917838985, ClinGen allele CA404776362.

ClinVar aggregate classification (germline): Uncertain significance (1 of 4 stars; one submission).

Conditions:
Mendelian susceptibility to mycobacterial diseases due to complete IL12RB1 deficiency. Also called: IL12RB1 DEFICIENCY; Immunodeficiency 30. Identifiers: Orphanet 319552, MedGen C4013949, MONDO:0013955, OMIM 614891.

Submission:

Labcorp Genetics (formerly Invitae), Labcorp
Classification: Uncertain significance for Mendelian susceptibility to mycobacterial diseases due to complete IL12RB1 deficiency. Last evaluated: 2020-06-09. Review status: criteria provided, single submitter. Criteria: Invitae Variant Classification Sherloc (09022015). Collection method: clinical testing. Allele origin: germline.
Comment: In summary, the available evidence is currently insufficient to determine the role of this variant in disease. Therefore, it has been classified as a Variant of Uncertain Significance. Algorithms developed to predict the effect of missense changes on protein structure and function are either unavailable or do not agree on the potential impact of this missense change (SIFT: "Deleterious"; PolyPhen-2: "Possibly Damaging"; Align-GVGD: "Class C0"). This variant has not been reported in the literature in individuals with IL12RB1-related conditions. This variant is not present in population databases (ExAC no frequency). This sequence change replaces valine with leucine at codon 520 of the IL12RB1 protein (p.Val520Leu). The valine residue is highly conserved and there is a small physicochemical difference between valine and leucine.